The following is an entry in ClinVar:

ClinVar aggregate classification (germline): Uncertain significance (0 of 4 stars; one submission).

Allele frequency attached by ClinVar (database versions not stated): ExAC 0.00003; gnomAD exomes 0.00006 and 0.00021; gnomAD 0.00053 and 0.00054; TOPMed 0.00071; 1000 Genomes Project 0.00080; 1000 Genomes Project 30x 0.00094.

Submission:

Department of Pathology and Laboratory Medicine, Sinai Health System
Classification: Uncertain significance. Review status: no assertion criteria provided. Collection method: clinical testing. Allele origin: unknown. Affected: yes. Study: The Canadian Open Genetics Repository (COGR).
Comment: The PTPN13 p.Arg338Gly variant was not identified in the literature nor was it identified in ClinVar or Cosmic. The variant was identified in dbSNP (ID: rs190545482) and in control databases in 52 of 234740 chromosomes (1 homozygous) at a frequency of 0.0002215 (Genome Aggregation Database March 6, 2019, v2.1.1, non-cancer). The variant was observed in the following populations: Latino in 51 of 34174 chromosomes (freq: 0.001492) and African in 1 of 14134 chromosomes (freq: 0.000071), but was not observed in the Ashkenazi Jewish, East Asian, European (Finnish), European (non-Finnish), Other, or South Asian populations. The p.Arg338 residue is conserved in mammals and computational analyses (PolyPhen-2, SIFT, AlignGVGD, BLOSUM, MutationTaster) suggest that the variant may impact the protein; however this information is not predictive enough to assume pathogenicity. The variant occurs outside of the splicing consensus sequence and 2 of 4 in silico or computational prediction software programs (SpliceSiteFinder, MaxEntScan, NNSPLICE, GeneSplicer) predict a greater than 10% difference in splicing; this is not very predictive of pathogenicity. In summary, based on the above information the clinical significance of this variant cannot be determined with certainty at this time. This variant is classified as a variant of uncertain significance.

NM_080683.3(PTPN13):c.1012A>G (p.Arg338Gly)

Gene: PTPN13 (protein tyrosine phosphatase non-receptor type 13; plus strand). Cytogenetic location: 4q21.3.
Variant type: single nucleotide variant.
Coding change: c.1012A>G on transcript NM_080683.3 (MANE Select); coding-DNA position 1012, A replaced by G.
Protein change: p.Arg338Gly; replaces arginine 338 with glycine.
Molecular consequence: missense variant.
Genome position (GRCh38, 1-based): chr4:86,701,618, A>G. VCF-style: chr4-86701618-A-G. GRCh37 (hg19) VCF-style: chr4-87622771-A-G.
Other names: c.1012A>G, p.Arg338Gly (NM_006264.3, NM_080684.3, NM_080685.3); short protein forms R338G.
Identifiers: ClinVar variation 1050604 (VCV001050604.1), dbSNP rs190545482, ClinGen allele CA2995570.